The following is an entry in ClinVar:

NM_024665.7(TBL1XR1):c.689C>T (p.Ser230Phe)

Gene: TBL1XR1 (TBL1X/Y related 1; minus strand). Cytogenetic location: 3q26.32.
Variant type: single nucleotide variant.
Coding change: c.689C>T on transcript NM_024665.7 (MANE Select); coding-DNA position 689, C replaced by T.
Protein change: p.Ser230Phe; replaces serine 230 with phenylalanine.
Molecular consequence: missense variant.
Genome position (GRCh38, 1-based): chr3:177,050,010, G>A on the plus strand (C>T on the coding strand, the complement: TBL1XR1 is on the minus strand). VCF-style: chr3-177050010-G-A. GRCh37 (hg19) VCF-style: chr3-176767798-G-A.
Other names: c.689C>T, p.Ser230Phe (NM_001321193.3, NM_001321194.3, NM_001374327.1 and 2 more transcripts); c.428C>T, p.Ser143Phe (NM_001321195.3, NM_001374330.1); short protein forms S230F, S143F.
Identifiers: ClinVar variation 521029 (VCV000521029.9), dbSNP rs1553815393, ClinGen allele CA355552404.

ClinVar aggregate classification (germline): Pathogenic/Likely pathogenic. Review status: criteria provided, multiple submitters, no conflicts (2 of 4 stars). 3 submissions from 3 submitters: Pathogenic (1); Likely pathogenic (1). 1 of the submissions does not count toward it. Last evaluated 2023-12-12.

Conditions:
Pierpont syndrome (PRPTS). Identifiers: Orphanet 487825, MedGen C1865644, MONDO:0011213, OMIM 602342.
Intellectual developmental disorder, autosomal dominant 41. Also called: Intellectual disability, autosomal dominant 41. Identifiers: Orphanet 2823, MedGen C4310784, MONDO:0014842, OMIM 616944.
Inborn genetic diseases. Identifiers: MedGen C0950123, MeSH D030342.

Submissions (3):

GeneDx
Classification: Pathogenic. Last evaluated: 2023-12-12. Review status: criteria provided, single submitter. Criteria: GeneDx Variant Classification Process June 2021. Collection method: clinical testing. Allele origin: germline. Affected: yes.
Comment: Not observed at significant frequency in large population cohorts (gnomAD); In silico analysis supports that this missense variant has a deleterious effect on protein structure/function; This variant is associated with the following publications: (PMID: 32371413)

Institute for Genomic Medicine (IGM) Clinical Laboratory, Nationwide Children's Hospital
Classification: Likely pathogenic for Intellectual developmental disorder, autosomal dominant 41; Pierpont syndrome. Last evaluated: 2018-01-15. Review status: criteria provided, single submitter. Criteria: ACMG Guidelines, 2015. Collection method: clinical testing. Allele origin: germline. Affected: yes.
Comment: [ACMG/AMP: PS2, PM2, PP2, PP3] This alteration is de novo in origin as it was not detected in the submitted parental specimens (identity confirmed) [PS2], is absent from or rarely observed in large-scale population databases [PM2], is a missense variant in a gene in which missense variants are a common mechanism of disease [PP2], is predicted to be damaging by multiple functional prediction tools [PP3].

Ambry Genetics
Classification: Uncertain significance for Inborn genetic diseases. Last evaluated: 2016-04-20. Review status: flagged submission. Criteria: Ambry exome assertion method (8-5-2015). Collection method: clinical testing. Allele origin: germline. Affected: yes. Observed: 1 variant allele. Not counted in ClinVar's aggregate classification.
ClinVar note: Reason: Older claim that does not account for recent evidence